The following is an entry in ClinVar:

NM_000550.3(TYRP1):c.1186A>C (p.Asn396His)

Genes: LURAP1L-AS1 (LURAP1L antisense RNA 1; minus strand), TYRP1 (tyrosinase related protein 1; plus strand). Cytogenetic location: 9p23.
Variant type: single nucleotide variant.
Coding change: c.1186A>C on transcript NM_000550.3 (MANE Select); coding-DNA position 1186, A replaced by C.
Protein change: p.Asn396His; replaces asparagine 396 with histidine.
Molecular consequence: missense variant.
Genome position (GRCh38, 1-based): chr9:12,704,630, A>C. VCF-style: chr9-12704630-A-C. GRCh37 (hg19) VCF-style: chr9-12704630-A-C.
Other names: short protein forms N396H.
Identifiers: ClinVar variation 1336682 (VCV001336682.9), dbSNP rs765833423, ClinGen allele CA372942771.

ClinVar aggregate classification (germline): Uncertain significance. Review status: criteria provided, multiple submitters, no conflicts (2 of 4 stars). 2 submissions from 2 submitters: Uncertain significance (2). Last evaluated 2022-08-23.

Allele frequency attached by ClinVar (database versions not stated): gnomAD 0.00001; TOPMed 0.00001.
gnomAD v4.1: 2 of 1,613,058 alleles (0.00012%); highest among the groups gnomAD compares: East Asian, 0.0022%; no homozygotes.

Submissions (2):

Labcorp Genetics (formerly Invitae), Labcorp
Classification: Uncertain significance. Last evaluated: 2022-08-23. Review status: criteria provided, single submitter. Criteria: Invitae Variant Classification Sherloc (09022015). Collection method: clinical testing. Allele origin: germline.
Comment: In summary, the available evidence is currently insufficient to determine the role of this variant in disease. Therefore, it has been classified as a Variant of Uncertain Significance. Algorithms developed to predict the effect of missense changes on protein structure and function are either unavailable or do not agree on the potential impact of this missense change (SIFT: "Tolerated"; PolyPhen-2: "Probably Damaging"; Align-GVGD: "Class C0"). ClinVar contains an entry for this variant (Variation ID: 1336682). This variant has not been reported in the literature in individuals affected with TYRP1-related conditions. This variant is not present in population databases (gnomAD no frequency). This sequence change replaces asparagine, which is neutral and polar, with histidine, which is basic and polar, at codon 396 of the TYRP1 protein (p.Asn396His).

Genetic Services Laboratory, University of Chicago
Classification: Uncertain significance. Last evaluated: 2018-05-01. Review status: criteria provided, single submitter. Criteria: ACMG Guidelines, 2015. Collection method: clinical testing. Allele origin: germline. Affected: no.